The following is an entry in ClinVar:

ClinVar aggregate classification (germline): Uncertain significance (1 of 4 stars; one submission).

Allele frequency attached by ClinVar (database versions not stated): gnomAD exomes below 0.00001; TOPMed below 0.00001.
gnomAD v4.1: 1 of 1,613,926 alleles (0.000062%); highest among the groups gnomAD compares: Admixed American, 0.0017%; no homozygotes.

Submission:

Labcorp Genetics (formerly Invitae), Labcorp
Classification: Uncertain significance. Last evaluated: 2023-05-15. Review status: criteria provided, single submitter. Criteria: Invitae Variant Classification Sherloc (09022015). Collection method: clinical testing. Allele origin: germline.
Comment: Advanced modeling of protein sequence and biophysical properties (such as structural, functional, and spatial information, amino acid conservation, physicochemical variation, residue mobility, and thermodynamic stability) performed at Invitae indicates that this missense variant is not expected to disrupt NDUFAF6 protein function. ClinVar contains an entry for this variant (Variation ID: 1512811). This variant has not been reported in the literature in individuals affected with NDUFAF6-related conditions. This variant is not present in population databases (gnomAD no frequency). This sequence change replaces leucine, which is neutral and non-polar, with serine, which is neutral and polar, at codon 268 of the NDUFAF6 protein (p.Leu268Ser). In summary, the available evidence is currently insufficient to determine the role of this variant in disease. Therefore, it has been classified as a Variant of Uncertain Significance.

NM_152416.4(NDUFAF6):c.803T>C (p.Leu268Ser)

Gene: NDUFAF6 (NADH:ubiquinone oxidoreductase complex assembly factor 6; plus strand). Cytogenetic location: 8q22.1.
Variant type: single nucleotide variant.
Coding change: c.803T>C on transcript NM_152416.4 (MANE Select); coding-DNA position 803, T replaced by C.
Protein change: p.Leu268Ser; replaces leucine 268 with serine.
Molecular consequence: missense variant. On other transcripts: non-coding transcript variant (6).
Genome position (GRCh38, 1-based): chr8:95,048,545, T>C. VCF-style: chr8-95048545-T-C. GRCh37 (hg19) VCF-style: chr8-96060773-T-C.
Other names: c.527T>C, p.Leu176Ser (NM_001330582.2, NM_001354514.2, NM_001354515.2 and 1 more transcripts); c.647T>C, p.Leu216Ser (NM_001354516.2); c.470T>C, p.Leu157Ser (NM_001354517.2, NM_001354518.2, NM_001354519.2 and 1 more transcripts); c.347T>C, p.Leu116Ser (NM_001354522.2, NM_001354524.2, NM_001354525.2 and 7 more transcripts); short protein forms L268S, L116S, L157S, L176S, L216S.
Identifiers: ClinVar variation 1512811 (VCV001512811.8), dbSNP rs1831069873, ClinGen allele CA371746843.